The following is an entry in ClinVar:

NM_002878.4(RAD51D):c.263+1587G>C

Genes: RAD51D (RAD51 paralog D; minus strand), RAD51L3-RFFL (RAD51L3-RFFL readthrough; minus strand). Cytogenetic location: 17q12.
Variant type: single nucleotide variant.
Coding change: c.263+1587G>C on transcript NM_002878.4 (MANE Select); 1587 bases into the intron after coding-DNA position 263, G replaced by C.
Molecular consequence: intron variant. On other transcripts: missense variant (1).
Genome position (GRCh38, 1-based): chr17:35,116,914, C>G on the plus strand (G>C on the coding strand, the complement: RAD51D is on the minus strand). VCF-style: chr17-35116914-C-G. GRCh37 (hg19) VCF-style: chr17-33443933-C-G.
Other names: c.268G>C, p.Asp90His (NM_001142571.2); c.144+2197G>C (NM_133629.3); short protein forms D90H.
Identifiers: ClinVar variation 5027827 (VCV005027827.1).

ClinVar aggregate classification (germline): Uncertain significance (1 of 4 stars; one submission).

Conditions:
Hereditary cancer-predisposing syndrome. Also called: Neoplastic Syndromes, Hereditary; Tumor predisposition; Hereditary neoplastic syndrome; Hereditary Cancer Syndrome. Identifiers: Orphanet 140162, MedGen C0027672, MeSH D009386, MONDO:0015356.

gnomAD v4.1: 1 of 1,607,774 alleles (0.000062%); highest among the groups gnomAD compares: Non-Finnish European, 0.000085%; no homozygotes.

Submission:

Ambry Genetics
Classification: Uncertain significance for Hereditary cancer-predisposing syndrome. Last evaluated: 2026-07-06. Review status: criteria provided, single submitter. Criteria: Ambry Variant Classification Scheme 2023. Collection method: clinical testing. Allele origin: germline.
Comment: The p.D90H variant (also known as c.268G>C), located in coding exon 3 of the RAD51D gene, results from a G to C substitution at nucleotide position 268. The aspartic acid at codon 90 is replaced by histidine, an amino acid with similar properties. This amino acid position is conserved. In addition, this alteration is predicted to be tolerated by in silico analysis. Based on the available evidence, the clinical significance of this variant remains unclear.